The following is an entry in ClinVar:

ClinVar aggregate classification (germline): Conflicting classifications of pathogenicity. Review status: criteria provided, conflicting classifications (1 of 4 stars). 5 submissions from 5 submitters: Uncertain significance (4); Likely benign (1). Last evaluated 2026-07-01.

Conditions:
Shprintzen-Goldberg syndrome (SGS). Also called: Marfanoid disorder with craniosynostosis type 1; Marfanoid craniosynostosis syndrome; Shprintzen-Goldberg marfanoid syndrome; SHPRINTZEN-GOLDBERG CRANIOSYNOSTOSIS SYNDROME; CRANIOSYNOSTOSIS WITH ARACHNODACTYLY AND ABDOMINAL HERNIAS. Identifiers: Orphanet 2462, MedGen C1321551, MONDO:0008426, OMIM 182212.

Allele frequency attached by ClinVar (database versions not stated): gnomAD 0.00001; gnomAD exomes 0.00001; TOPMed 0.00001.
gnomAD v4.1: 31 of 1,551,562 alleles (0.002%); highest among the groups gnomAD compares: South Asian, 0.0059%; 1 homozygote.

Submissions (5):

CeGaT Center for Human Genetics Tuebingen
Classification: Likely benign. Last evaluated: 2026-07-01. Review status: criteria provided, single submitter. Criteria: CeGaT Center For Human Genetics Tuebingen Variant Classification Criteria Version 2. Collection method: clinical testing. Allele origin: germline. Affected: yes. Observed: 1 variant allele.
Comment: SKI: BS2

Labcorp Genetics (formerly Invitae), Labcorp
Classification: Uncertain significance for Shprintzen-Goldberg syndrome. Last evaluated: 2024-03-22. Review status: criteria provided, single submitter. Criteria: Invitae Variant Classification Sherloc (09022015). Collection method: clinical testing. Allele origin: germline.
Comment: This sequence change replaces proline, which is neutral and non-polar, with leucine, which is neutral and non-polar, at codon 502 of the SKI protein (p.Pro502Leu). The frequency data for this variant in the population databases is considered unreliable, as metrics indicate poor data quality at this position in the gnomAD database. This variant has not been reported in the literature in individuals affected with SKI-related conditions. ClinVar contains an entry for this variant (Variation ID: 377202). Advanced modeling of protein sequence and biophysical properties (such as structural, functional, and spatial information, amino acid conservation, physicochemical variation, residue mobility, and thermodynamic stability) has been performed at Invitae for this missense variant, however the output from this modeling did not meet the statistical confidence thresholds required to predict the impact of this variant on SKI protein function. In summary, the available evidence is currently insufficient to determine the role of this variant in disease. Therefore, it has been classified as a Variant of Uncertain Significance.

Blueprint Genetics
Classification: Uncertain significance. Last evaluated: 2023-01-11. Review status: criteria provided, single submitter. Criteria: ACMG Guidelines, 2015. Collection method: clinical testing. Allele origin: germline.

Center for Pediatric Genomic Medicine, Children's Mercy Hospital and Clinics
Classification: Uncertain significance. Last evaluated: 2016-11-21. Review status: criteria provided, single submitter. Criteria: ACMG Guidelines, 2015. Collection method: clinical testing. Allele origin: germline.
ClinVar note: Converted during submission from Uncertain Significance to Uncertain significance.

Neuberg Centre For Genomic Medicine, NCGM
Classification: Uncertain significance for Shprintzen-Goldberg syndrome. Review status: criteria provided, single submitter. Criteria: ACMG Guidelines, 2015. Collection method: clinical testing. Allele origin: germline. Inheritance: Autosomal dominant inheritance. Affected: yes.
Comment: The missense c.1505C>T (p.Pro502Leu) variant in SKI gene has not been reported previously as a pathogenic variant nor as a benign variant, to our knowledge. The p.Pro502Leu variant is present with allele frequency of 0.001% in gnomAD Exomes. This variant has been submitted to the ClinVar database as Uncertain Significance. Multiple lines of computational evidence (Polyphen - Probably Damaging, SIFT - Daamging and MutationTaster - Disease causing) predict a damaging effect on protein structure and function for this variant. The reference amino acid at this position in SKI is predicted as conserved by GERP++ and PhyloP across 100 vertebrates. The amino acid Pro at position 502 is changed to a Leu changing protein sequence and it might alter its composition and physico-chemical properties. For these reasons, this variant has been classified as a Variant of Uncertain Significance (VUS).

NM_003036.4(SKI):c.1505C>T (p.Pro502Leu)

Gene: SKI (SKI proto-oncogene; plus strand). Cytogenetic location: 1p36.32.
Variant type: single nucleotide variant.
Coding change: c.1505C>T on transcript NM_003036.4 (MANE Select); coding-DNA position 1505, C replaced by T.
Protein change: p.Pro502Leu; replaces proline 502 with leucine.
Molecular consequence: missense variant.
Genome position (GRCh38, 1-based): chr1:2,304,323, C>T. VCF-style: chr1-2304323-C-T. GRCh37 (hg19) VCF-style: chr1-2235762-C-T.
Other names: short protein forms P502L.
Identifiers: ClinVar variation 377202 (VCV000377202.15), dbSNP rs1057520161, ClinGen allele CA16603301.